The following is an entry in ClinVar:

ClinVar aggregate classification (germline): Uncertain significance (1 of 4 stars; one submission).

Conditions:
Mucopolysaccharidosis, MPS-II (MPS2). Also called: Attenuated MPS (subtype; formerly known as mild MPS II); Severe MPS II; I2S deficiency; MPS 2; Hunter Syndrome; Mucopolysaccharidosis with skin involvement. Identifiers: Orphanet 580, Orphanet 79388, MedGen C0026705, MONDO:0010674, OMIM 309900.

Submission:

Labcorp Genetics (formerly Invitae), Labcorp
Classification: Uncertain significance for Mucopolysaccharidosis, MPS-II. Last evaluated: 2022-11-08. Review status: criteria provided, single submitter. Criteria: Invitae Variant Classification Sherloc (09022015). Collection method: clinical testing. Allele origin: germline.
Comment: This variant disrupts the p.Cys184 amino acid residue in IDS. Other variant(s) that disrupt this residue have been determined to be pathogenic (PMID: 8940265, 33676511). This suggests that this residue is clinically significant, and that variants that disrupt this residue are likely to be disease-causing. In summary, the available evidence is currently insufficient to determine the role of this variant in disease. Therefore, it has been classified as a Variant of Uncertain Significance. Advanced modeling of protein sequence and biophysical properties (such as structural, functional, and spatial information, amino acid conservation, physicochemical variation, residue mobility, and thermodynamic stability) performed at Invitae indicates that this missense variant is expected to disrupt IDS protein function. This variant is not present in population databases (gnomAD no frequency). This variant has not been reported in the literature in individuals affected with IDS-related conditions. This sequence change replaces cysteine, which is neutral and slightly polar, with tyrosine, which is neutral and polar, at codon 184 of the IDS protein (p.Cys184Tyr).

Literature cited by the submitters: PubMed 8940265; PubMed 33676511.

NM_000202.8(IDS):c.551G>A (p.Cys184Tyr)

Genes: IDS (iduronate 2-sulfatase; minus strand), LOC106050102 (IDS recombination region; plus strand). Cytogenetic location: Xq28.
Variant type: single nucleotide variant.
Coding change: c.551G>A on transcript NM_000202.8 (MANE Select); coding-DNA position 551, G replaced by A.
Protein change: p.Cys184Tyr; replaces cysteine 184 with tyrosine.
Molecular consequence: missense variant. On other transcripts: non-coding transcript variant (1).
Genome position (GRCh38, 1-based): chrX:149,498,264, C>T on the plus strand (G>A on the coding strand, the complement: IDS is on the minus strand). VCF-style: chrX-149498264-C-T. GRCh37 (hg19) VCF-style: chrX-148579795-C-T.
Other names: c.281G>A, p.Cys94Tyr (NM_001166550.4); c.551G>A, p.Cys184Tyr (NM_006123.5); short protein forms C184Y, C94Y.
Identifiers: ClinVar variation 2116916 (VCV002116916.4), dbSNP rs2520864754, ClinGen allele CA414522507.